The following is an entry in ClinVar:

ClinVar aggregate classification (germline): Uncertain significance (1 of 4 stars; one submission).

Conditions:
DICER1-related tumor predisposition. Also called: DICER1-related pleuropulmonary blastoma cancer predisposition syndrome; DICER1 syndrome. Identifiers: Orphanet 284343, MedGen C3839822, MONDO:0100216.

Submission:

Labcorp Genetics (formerly Invitae), Labcorp
Classification: Uncertain significance for DICER1-related tumor predisposition. Last evaluated: 2022-09-14. Review status: criteria provided, single submitter. Criteria: Invitae Variant Classification Sherloc (09022015). Collection method: clinical testing. Allele origin: germline.
Comment: In summary, the available evidence is currently insufficient to determine the role of this variant in disease. Therefore, it has been classified as a Variant of Uncertain Significance. This variant has not been reported in the literature in individuals affected with DICER1-related conditions. This variant is not present in population databases (gnomAD no frequency). This variant, c.3417_3419dup, results in the insertion of 1 amino acid(s) of the DICER1 protein (p.Thr1140dup), but otherwise preserves the integrity of the reading frame.

NM_177438.3(DICER1):c.3417_3419dup (p.Thr1140_Ser1141insThr)

Gene: DICER1 (dicer 1, ribonuclease III; minus strand). Cytogenetic location: 14q32.13.
Variant type: Duplication.
Coding change: c.3417_3419dup on transcript NM_177438.3 (MANE Select); coding-DNA positions 3417 to 3419, 3 bases duplicated (AAC; older notation c.3417_3419dupAAC).
Protein change: p.Thr1140_Ser1141insThr.
Molecular consequence: inframe insertion. On other transcripts: non-coding transcript variant (6), inframe indel (1).
Genome position (GRCh38, 1-based): chr14:95,103,977-95,103,979, GTT duplicated on the plus strand (AAC on the coding strand, the reverse complement: DICER1 is on the minus strand). VCF-style (leftmost placement, unchanged base first): chr14-95103976-G-GGTT. GRCh37 (hg19) VCF-style: chr14-95570313-G-GGTT.
Other names: c.3417_3419dup, p.Thr1140_Ser1141insThr (NM_001195573.1, NM_001271282.3, NM_001291628.2 and 13 more transcripts); c.3135_3137dup, p.Thr1046_Ser1047insThr (NM_001395686.1); c.3012_3014dup, p.Thr1005_Ser1006insThr (NM_001395687.1, NM_001395688.1, NM_001395689.1 and 2 more transcripts); c.2850_2852dup, p.Thr951_Ser952insThr (NM_001395691.1); c.1734_1736dup, p.Thr579_Ser580insThr (NM_001395697.1).
Identifiers: ClinVar variation 2030383 (VCV002030383.4), dbSNP rs2542715700, ClinGen allele CA2580089000.